The following is an entry in ClinVar:

ClinVar aggregate classification (germline): Likely pathogenic (1 of 4 stars; one submission).

Allele frequency attached by ClinVar (database versions not stated): gnomAD exomes below 0.00001; TOPMed 0.00001.
gnomAD v4.1: 2 of 1,613,110 alleles (0.00012%); highest among the groups gnomAD compares: Admixed American, 0.0033%; no homozygotes.

Submission:

Labcorp Genetics (formerly Invitae), Labcorp
Classification: Likely pathogenic. Last evaluated: 2023-12-19. Review status: criteria provided, single submitter. Criteria: Invitae Variant Classification Sherloc (09022015). Collection method: clinical testing. Allele origin: germline.
Comment: This sequence change affects an acceptor splice site in intron 16 of the C2 gene. It is expected to disrupt RNA splicing. Variants that disrupt the donor or acceptor splice site typically lead to a loss of protein function (PMID: 16199547), and loss-of-function variants in C2 are known to be pathogenic (PMID: 1577763, 9616367). This variant is present in population databases (no rsID available, gnomAD 0.006%). This variant has not been reported in the literature in individuals affected with C2-related conditions. Algorithms developed to predict the effect of sequence changes on RNA splicing suggest that this variant may disrupt the consensus splice site. In summary, the currently available evidence indicates that the variant is pathogenic, but additional data are needed to prove that conclusively. Therefore, this variant has been classified as Likely Pathogenic.

Literature cited by the submitters: PubMed 16199547; PubMed 1577763; PubMed 9616367.

NM_000063.6(C2):c.2030-1G>A

Gene: C2 (complement C2; plus strand). Cytogenetic location: 6p21.33.
Variant type: single nucleotide variant.
Coding change: c.2030-1G>A on transcript NM_000063.6 (MANE Select); the canonical splice acceptor site of the intron before coding-DNA position 2030, G replaced by A.
Molecular consequence: splice acceptor variant.
Genome position (GRCh38, 1-based): chr6:31,944,979, G>A. VCF-style: chr6-31944979-G-A. GRCh37 (hg19) VCF-style: chr6-31912756-G-A.
Other names: c.1292-1G>A (NM_001282457.2); c.1388-1G>A (NM_001178063.3); c.1943-1G>A (NM_001282458.2); c.1634-1G>A (NM_001145903.3).
Identifiers: ClinVar variation 2726593 (VCV002726593.3), dbSNP rs1301119042, ClinGen allele CA363384723.